The following is an entry in ClinVar:

NM_006073.4(TRDN):c.622G>A (p.Ala208Thr)

Gene: TRDN (triadin; minus strand). Cytogenetic location: 6q22.31.
Variant type: single nucleotide variant.
Coding change: c.622G>A on transcript NM_006073.4 (MANE Select); coding-DNA position 622, G replaced by A.
Protein change: p.Ala208Thr; replaces alanine 208 with threonine.
Molecular consequence: missense variant.
Genome position (GRCh38, 1-based): chr6:123,503,890, C>T on the plus strand (G>A on the coding strand, the complement: TRDN is on the minus strand). VCF-style: chr6-123503890-C-T. GRCh37 (hg19) VCF-style: chr6-123825035-C-T.
Other names: c.622G>A, p.Ala208Thr (NM_001251987.2, NM_001256020.2, NM_001256021.2 and 1 more transcripts); short protein forms A208T.
Identifiers: ClinVar variation 4190194 (VCV004190194.1).

ClinVar aggregate classification (germline): Uncertain significance (1 of 4 stars; one submission).

Conditions:
Cardiovascular phenotype. Identifiers: MedGen CN230736.

Submission:

Ambry Genetics
Classification: Uncertain significance for Cardiovascular phenotype. Last evaluated: 2025-08-06. Review status: criteria provided, single submitter. Criteria: Ambry Variant Classification Scheme 2023. Collection method: clinical testing. Allele origin: germline.
Comment: The p.A208T variant (also known as c.622G>A), located in coding exon 8 of the TRDN gene, results from a G to A substitution at nucleotide position 622. The alanine at codon 208 is replaced by threonine, an amino acid with similar properties. This amino acid position is conserved. In addition, this alteration is predicted to be tolerated by in silico analysis. Based on the available evidence, the clinical significance of this variant remains unclear.